The following is an entry in ClinVar:

ClinVar aggregate classification (germline): Uncertain significance. Review status: criteria provided, multiple submitters, no conflicts (2 of 4 stars). 2 submissions from 2 submitters: Uncertain significance (2). Last evaluated 2024-11-11.

Allele frequency attached by ClinVar (database versions not stated): TOPMed 0.00002; gnomAD exomes 0.00009 and 0.00019; gnomAD 0.00010 and 0.00011; ExAC 0.00023.
gnomAD v4.1: 146 of 1,614,026 alleles (0.009%); highest among the groups gnomAD compares: Non-Finnish European, 0.0033%; no homozygotes.

Submissions (2):

Labcorp Genetics (formerly Invitae), Labcorp
Classification: Uncertain significance. Last evaluated: 2024-11-11. Review status: criteria provided, single submitter. Criteria: Invitae Variant Classification Sherloc (09022015). Collection method: clinical testing. Allele origin: germline.
Comment: This sequence change replaces proline, which is neutral and non-polar, with serine, which is neutral and polar, at codon 176 of the KANK1 protein (p.Pro176Ser). This variant is present in population databases (rs201007675, gnomAD 0.1%), and has an allele count higher than expected for a pathogenic variant. This variant has not been reported in the literature in individuals affected with KANK1-related conditions. ClinVar contains an entry for this variant (Variation ID: 1519982). Invitae Evidence Modeling of protein sequence and biophysical properties (such as structural, functional, and spatial information, amino acid conservation, physicochemical variation, residue mobility, and thermodynamic stability) indicates that this missense variant is not expected to disrupt KANK1 protein function with a negative predictive value of 80%. In summary, the available evidence is currently insufficient to determine the role of this variant in disease. Therefore, it has been classified as a Variant of Uncertain Significance.

Ambry Genetics
Classification: Uncertain significance. Last evaluated: 2022-12-28. Review status: criteria provided, single submitter. Criteria: Ambry Variant Classification Scheme 2023. Collection method: clinical testing. Allele origin: germline.

NM_015158.5(KANK1):c.526C>T (p.Pro176Ser)

Gene: KANK1 (KN motif and ankyrin repeat domains 1; plus strand). Cytogenetic location: 9p24.3.
Variant type: single nucleotide variant.
Coding change: c.526C>T on transcript NM_015158.5 (MANE Select); coding-DNA position 526, C replaced by T.
Protein change: p.Pro176Ser; replaces proline 176 with serine.
Molecular consequence: missense variant. On other transcripts: non-coding transcript variant (1).
Genome position (GRCh38, 1-based): chr9:711,292, C>T. VCF-style: chr9-711292-C-T. GRCh37 (hg19) VCF-style: chr9-711292-C-T.
Other names: c.526C>T, p.Pro176Ser (NM_001256876.3, NM_001256877.3, NM_001354331.2 and 2 more transcripts); c.52C>T, p.Pro18Ser (NM_001354333.2, NM_001354335.2, NM_001354336.2 and 9 more transcripts); c.526C>T (NM_015158.2); short protein forms P176S, P18S.
Identifiers: ClinVar variation 1519982 (VCV001519982.7), dbSNP rs201007675, ClinGen allele CA4959963.
Genomic context (GRCh38, chr9:711,292, plus strand): 5'-AAGACACTGATGGAGACCCGGAGAAGACTGGAACAGGAGAGAGCCACCATGCAGATGACA[C>T]CGGGTGAGTTCAGAAGGCCCAGGCTGGCCAGTTTTGGAGGCATGGGCACCACAAGCTCCC-3'
Protein context (NP_055973.2, residues 166-186): EQERATMQMT[Pro176Ser]GEFRRPRLAS